The following is an entry in ClinVar:

NM_007192.4(SUPT16H):c.10A>G (p.Thr4Ala)

Gene: SUPT16H (SPT16 homolog, facilitates chromatin remodeling subunit; minus strand). Cytogenetic location: 14q11.2.
Variant type: single nucleotide variant.
Coding change: c.10A>G on transcript NM_007192.4 (MANE Select); coding-DNA position 10, A replaced by G.
Protein change: p.Thr4Ala; replaces threonine 4 with alanine.
Molecular consequence: missense variant.
Genome position (GRCh38, 1-based): chr14:21,383,918, T>C on the plus strand (A>G on the coding strand, the complement: SUPT16H is on the minus strand). VCF-style: chr14-21383918-T-C. GRCh37 (hg19) VCF-style: chr14-21852077-T-C.
Other names: short protein forms T4A.
Identifiers: ClinVar variation 3373124 (VCV003373124.2).
Genomic context (GRCh38, chr14:21,383,918, plus strand): 5'-TCACCCGCCAATTGCTGTACAGTCTCTTCACTCGCCGATAATAAGCGTCTTTGTCCAGAG[T>C]CACAGCCATAGCCCCGGACGCCGCTTCTCCTCGGGTTCCGAGAATCACGCGAGGTCCCGG-3'
Protein context (NP_009123.1, residues 1-14): MAV[Thr4Ala]LDKDAYYRRV

ClinVar aggregate classification (germline): Uncertain significance (1 of 4 stars; one submission).

Submission:

GeneDx
Classification: Uncertain significance. Last evaluated: 2024-12-02. Review status: criteria provided, single submitter. Criteria: GeneDx Variant Classification Process June 2021. Collection method: clinical testing. Allele origin: germline. Affected: yes.
Comment: Not observed at significant frequency in large population cohorts (gnomAD); In silico analysis indicates that this missense variant does not alter protein structure/function; Has not been previously published as pathogenic or benign to our knowledge